The following is an entry in ClinVar:

ClinVar aggregate classification (germline): Uncertain significance. Review status: criteria provided, multiple submitters, no conflicts (2 of 4 stars). 2 submissions from 2 submitters: Uncertain significance (2). Last evaluated 2025-12-04.

Allele frequency attached by ClinVar (database versions not stated): gnomAD exomes below 0.00001; TOPMed below 0.00001.
gnomAD v4.1: 2 of 1,613,064 alleles (0.00012%); highest among the groups gnomAD compares: Non-Finnish European, 0.00017%; no homozygotes.

Submissions (2):

Ambry Genetics
Classification: Uncertain significance. Last evaluated: 2025-12-04. Review status: criteria provided, single submitter. Criteria: Ambry Variant Classification Scheme 2023. Collection method: clinical testing. Allele origin: germline.

Labcorp Genetics (formerly Invitae), Labcorp
Classification: Uncertain significance. Last evaluated: 2021-03-13. Review status: criteria provided, single submitter. Criteria: Invitae Variant Classification Sherloc (09022015). Collection method: clinical testing. Allele origin: germline.
Comment: In summary, the available evidence is currently insufficient to determine the role of this variant in disease. Therefore, it has been classified as a Variant of Uncertain Significance. Algorithms developed to predict the effect of missense changes on protein structure and function are either unavailable or do not agree on the potential impact of this missense change (SIFT: "Not Available"; PolyPhen-2: "Benign"; Align-GVGD: "Not Available"). This variant has not been reported in the literature in individuals with SLC44A4-related conditions. This variant is not present in population databases (ExAC no frequency). This sequence change replaces proline with serine at codon 176 of the SLC44A4 protein (p.Pro176Ser). There is a moderate physicochemical difference between proline and serine.

NM_025257.3(SLC44A4):c.526C>T (p.Pro176Ser)

Gene: SLC44A4 (solute carrier family 44 member 4; minus strand). Cytogenetic location: 6p21.33.
Variant type: single nucleotide variant.
Coding change: c.526C>T on transcript NM_025257.3 (MANE Select); coding-DNA position 526, C replaced by T.
Protein change: p.Pro176Ser; replaces proline 176 with serine.
Molecular consequence: missense variant.
Genome position (GRCh38, 1-based): chr6:31,874,463, G>A on the plus strand (C>T on the coding strand, the complement: SLC44A4 is on the minus strand). VCF-style: chr6-31874463-G-A. GRCh37 (hg19) VCF-style: chr6-31842240-G-A.
Other names: c.526C>T (NM_025257.2); c.400C>T, p.Pro134Ser (NM_001178044.2); c.298C>T, p.Pro100Ser (NM_001178045.2); short protein forms P134S, P176S, P100S.
Identifiers: ClinVar variation 1501843 (VCV001501843.7), dbSNP rs1763333145, ClinGen allele CA363377037.